The following is an entry in ClinVar:

ClinVar aggregate classification (germline): Uncertain significance (1 of 4 stars; one submission).

Conditions:
Early-infantile DEE. Also called: Ohtahara syndrome; Early infantile epileptic encephalopathy; Early infantile epileptic encephalopathy with suppression bursts. Identifiers: Orphanet 1934, MedGen C0393706, MONDO:0800491.

Submission:

Labcorp Genetics (formerly Invitae), Labcorp
Classification: Uncertain significance for Early-infantile DEE. Last evaluated: 2022-04-16. Review status: criteria provided, single submitter. Criteria: Invitae Variant Classification Sherloc (09022015). Collection method: clinical testing. Allele origin: germline.
Comment: In summary, the available evidence is currently insufficient to determine the role of this variant in disease. Therefore, it has been classified as a Variant of Uncertain Significance. Advanced modeling of protein sequence and biophysical properties (such as structural, functional, and spatial information, amino acid conservation, physicochemical variation, residue mobility, and thermodynamic stability) performed at Invitae indicates that this missense variant is expected to disrupt SCN1A protein function. This variant has not been reported in the literature in individuals affected with SCN1A-related conditions. This variant is not present in population databases (gnomAD no frequency). This sequence change replaces tyrosine, which is neutral and polar, with cysteine, which is neutral and slightly polar, at codon 1598 of the SCN1A protein (p.Tyr1598Cys).

NM_001165963.4(SCN1A):c.4793A>G (p.Tyr1598Cys)

Genes: SCN1A (sodium voltage-gated channel alpha subunit 1; minus strand), LOC102724058 (uncharacterized LOC102724058; plus strand). Cytogenetic location: 2q24.3.
Variant type: single nucleotide variant.
Coding change: c.4793A>G on transcript NM_001165963.4 (MANE Select); coding-DNA position 4793, A replaced by G.
Protein change: p.Tyr1598Cys; replaces tyrosine 1598 with cysteine.
Molecular consequence: missense variant. On other transcripts: non-coding transcript variant (1).
Genome position (GRCh38, 1-based): chr2:165,994,205, T>C on the plus strand (A>G on the coding strand, the complement: SCN1A is on the minus strand). VCF-style: chr2-165994205-T-C. GRCh37 (hg19) VCF-style: chr2-166850715-T-C.
Other names: c.4709A>G, p.Tyr1570Cys (NM_001165964.3, NM_001353957.2, NM_001353958.2); c.4793A>G, p.Tyr1598Cys (NM_001202435.3, NM_001353948.2); c.4760A>G, p.Tyr1587Cys (NM_001353949.2, NM_001353950.2, NM_001353951.2 and 2 more transcripts); c.4757A>G, p.Tyr1586Cys (NM_001353954.2, NM_001353955.2); c.4706A>G, p.Tyr1569Cys (NM_001353960.2); c.2351A>G, p.Tyr784Cys (NM_001353961.2); short protein forms Y1569C, Y1587C, Y1570C, Y1586C, Y1598C, Y784C.
Identifiers: ClinVar variation 1519797 (VCV001519797.9), dbSNP rs377325221, ClinGen allele CA349071510.